The following is an entry in ClinVar:

NM_000487.6(ARSA):c.1487C>T (p.Thr496Ile)

Gene: ARSA (arylsulfatase A; minus strand). Cytogenetic location: 22q13.33.
Variant type: single nucleotide variant.
Coding change: c.1487C>T on transcript NM_000487.6 (MANE Select); coding-DNA position 1487, C replaced by T.
Protein change: p.Thr496Ile; replaces threonine 496 with isoleucine.
Molecular consequence: missense variant.
Genome position (GRCh38, 1-based): chr22:50,625,188, G>A on the plus strand (C>T on the coding strand, the complement: ARSA is on the minus strand). VCF-style: chr22-50625188-G-A. GRCh37 (hg19) VCF-style: chr22-51063616-G-A.
Other names: c.1487C>T, p.Thr496Ile (NM_001085425.3, NM_001085426.3, NM_001085427.3); c.1229C>T, p.Thr410Ile (NM_001085428.3, NM_001362782.2); short protein forms T410I, T496I.
Identifiers: ClinVar variation 728293 (VCV000728293.15), dbSNP rs201085386, ClinGen allele CA10324720.
Genomic context (GRCh38, chr22:50,625,188, plus strand): 5'-GGCCAGCCGAGGGGCCCTCAGGCATGGGGATCTGGGCAATGGCAGCAAGCTGGGCGGGGG[G>A]TGCAGCCAGGATGACAGCAGATCTGCAGGGCGGGGTCCTCGCCCCGGGCCACCTGGCTGG-3'
Protein context (NP_000478.3, residues 486-506): ALQICCHPGC[Thr496Ile]PRPACCHCPD

ClinVar aggregate classification (germline): Conflicting classifications of pathogenicity. Review status: criteria provided, conflicting classifications (1 of 4 stars). 3 submissions from 3 submitters: Uncertain significance (2); Likely benign (1). Last evaluated 2026-02-24.

Conditions:
Metachromatic leukodystrophy (MLD). Also called: ARSA DEFICIENCY; CEREBROSIDE SULFATASE DEFICIENCY; Cerebral sclerosis diffuse metachromatic form; Arylsulfatase A Deficiency; METACHROMATIC LEUKOENCEPHALOPATHY; SULFATIDE LIPIDOSIS. Identifiers: Orphanet 512, MedGen C0023522, MONDO:0018868, OMIM 250100.

Allele frequency attached by ClinVar (database versions not stated): 1000 Genomes Project 0.00040; gnomAD exomes 0.00014; gnomAD 0.00037 and 0.00042; TOPMed 0.00043; ExAC 0.00030; 1000 Genomes Project 30x 0.00031; ESP Exome Variant Server 0.00046.

Submissions (4):

GeneDx
Classification: Uncertain significance. Last evaluated: 2026-02-24. Review status: criteria provided, single submitter. Criteria: GeneDx Variant Classification Process June 2021. Collection method: clinical testing. Allele origin: germline.
Comment: In silico analysis suggests that this missense variant does not alter protein structure/function; Has not been previously published as pathogenic or benign to our knowledge; Also known as p.(T494I)

Labcorp Genetics (formerly Invitae), Labcorp
Classification: Likely benign for Metachromatic leukodystrophy. Last evaluated: 2026-01-20. Review status: criteria provided, single submitter. Criteria: Invitae Variant Classification Sherloc (09022015). Collection method: clinical testing. Allele origin: germline.

Laboratorio de Genetica e Diagnostico Molecular, Hospital Israelita Albert Einstein
Classification: Uncertain significance for Metachromatic leukodystrophy. Last evaluated: 2023-01-29. Review status: criteria provided, single submitter. Criteria: ACMG Guidelines, 2015. Collection method: clinical testing. Allele origin: germline. Affected: yes. Observed: 1 variant allele.
Comment: ACMG classification criteria: BP4 supporting

Gelb Laboratory, University of Washington
No classification provided (evidence only). Condition: Metachromatic leukodystrophy. Review status: no classification provided. Collection method: in vitro. Allele origin: not applicable. Inheritance: Autosomal recessive inheritance. Functional consequence: functionally_normal. Not counted in ClinVar's aggregate classification.
ClinVar note: "not provided" was previously submitted as the classification for the variant. However, the classification appeared to be based only on an observation of functional data so it was converted to no classification on 2025-07-30.